The following is an entry in ClinVar:

NM_005477.3(HCN4):c.2650C>T (p.Pro884Ser)

Gene: HCN4 (hyperpolarization activated cyclic nucleotide gated potassium channel 4; minus strand). Cytogenetic location: 15q24.1.
Variant type: single nucleotide variant.
Coding change: c.2650C>T on transcript NM_005477.3 (MANE Select); coding-DNA position 2650, C replaced by T.
Protein change: p.Pro884Ser; replaces proline 884 with serine.
Molecular consequence: missense variant.
Genome position (GRCh38, 1-based): chr15:73,323,443, G>A on the plus strand (C>T on the coding strand, the complement: HCN4 is on the minus strand). VCF-style: chr15-73323443-G-A. GRCh37 (hg19) VCF-style: chr15-73615784-G-A.
Other names: short protein forms P884S.
Identifiers: ClinVar variation 1794330 (VCV001794330.5), dbSNP rs745819208, ClinGen allele CA7648981.

ClinVar aggregate classification (germline): Uncertain significance. Review status: criteria provided, multiple submitters, no conflicts (2 of 4 stars). 2 submissions from 2 submitters: Uncertain significance (2). Last evaluated 2025-11-20.

Conditions:
Cardiovascular phenotype. Identifiers: MedGen CN230736.
Brugada syndrome 8 (BRGDA8). Identifiers: Orphanet 130, MedGen C2751083, MONDO:0013148, OMIM 613123.

Allele frequency attached by ClinVar (database versions not stated): ExAC 0.00001.

Submissions (2):

Labcorp Genetics (formerly Invitae), Labcorp
Classification: Uncertain significance for Brugada syndrome 8. Last evaluated: 2025-11-20. Review status: criteria provided, single submitter. Criteria: Invitae Variant Classification Sherloc (09022015). Collection method: clinical testing. Allele origin: germline.
Comment: This sequence change replaces proline, which is neutral and non-polar, with serine, which is neutral and polar, at codon 884 of the HCN4 protein (p.Pro884Ser). The frequency data for this variant in the population databases is considered unreliable, as metrics indicate poor data quality at this position in the gnomAD database. This variant has not been reported in the literature in individuals affected with HCN4-related conditions. ClinVar contains an entry for this variant (Variation ID: 1794330). Invitae Evidence Modeling of protein sequence and biophysical properties (such as structural, functional, and spatial information, amino acid conservation, physicochemical variation, residue mobility, and thermodynamic stability) indicates that this missense variant is not expected to disrupt HCN4 protein function with a negative predictive value of 95%. In summary, the available evidence is currently insufficient to determine the role of this variant in disease. Therefore, it has been classified as a Variant of Uncertain Significance.

Ambry Genetics
Classification: Uncertain significance for Cardiovascular phenotype. Last evaluated: 2025-08-28. Review status: criteria provided, single submitter. Criteria: Ambry Variant Classification Scheme 2023. Collection method: clinical testing. Allele origin: germline.
Comment: The p.P884S variant (also known as c.2650C>T), located in coding exon 8 of the HCN4 gene, results from a C to T substitution at nucleotide position 2650. The proline at codon 884 is replaced by serine, an amino acid with similar properties. This amino acid position is well conserved in available vertebrate species; however, serine is the reference amino acid in other vertebrate species. In addition, this alteration is predicted to be tolerated by in silico analysis. Since supporting evidence is limited at this time, the clinical significance of this alteration remains unclear.